The following is an entry in ClinVar:

ClinVar aggregate classification (germline): Uncertain significance. Review status: criteria provided, multiple submitters, no conflicts (2 of 4 stars). 2 submissions from 2 submitters: Uncertain significance (2). Last evaluated 2026-07-07.

Conditions:
Oligodontia-cancer predisposition syndrome. Also called: TOOTH AGENESIS-COLORECTAL CANCER SYNDROME. Identifiers: Orphanet 300576, MedGen C1837750, MONDO:0012075, OMIM 608615. Disease mechanism: loss of function.
Hereditary cancer-predisposing syndrome. Also called: Neoplastic Syndromes, Hereditary; Tumor predisposition; Hereditary Cancer Syndrome; Hereditary neoplastic syndrome. Identifiers: Orphanet 140162, MedGen C0027672, MeSH D009386, MONDO:0015356.

Submissions (2):

Ambry Genetics
Classification: Uncertain significance for Hereditary cancer-predisposing syndrome. Last evaluated: 2026-07-07. Review status: criteria provided, single submitter. Criteria: Ambry Variant Classification Scheme 2023. Collection method: clinical testing. Allele origin: germline.
Comment: The p.D167E variant (also known as c.501T>A), located in coding exon 1 of the AXIN2 gene, results from a T to A substitution at nucleotide position 501. The aspartic acid at codon 167 is replaced by glutamic acid, an amino acid with highly similar properties. This amino acid position is conserved. In addition, this alteration is predicted to be tolerated by in silico analysis. Based on the available evidence, the clinical significance of this variant remains unclear.

Labcorp Genetics (formerly Invitae), Labcorp
Classification: Uncertain significance for Oligodontia-cancer predisposition syndrome. Last evaluated: 2025-10-12. Review status: criteria provided, single submitter. Criteria: Invitae Variant Classification Sherloc (09022015). Collection method: clinical testing. Allele origin: germline.
Comment: This sequence change replaces aspartic acid, which is acidic and polar, with glutamic acid, which is acidic and polar, at codon 167 of the AXIN2 protein (p.Asp167Glu). This variant is not present in population databases (gnomAD no frequency). This variant has not been reported in the literature in individuals affected with AXIN2-related conditions. Invitae Evidence Modeling of protein sequence and biophysical properties (such as structural, functional, and spatial information, amino acid conservation, physicochemical variation, residue mobility, and thermodynamic stability) indicates that this missense variant is not expected to disrupt AXIN2 protein function with a negative predictive value of 80%. In summary, the available evidence is currently insufficient to determine the role of this variant in disease. Therefore, it has been classified as a Variant of Uncertain Significance.

NM_004655.4(AXIN2):c.501T>A (p.Asp167Glu)

Gene: AXIN2 (axin 2; minus strand). Cytogenetic location: 17q24.1.
Variant type: single nucleotide variant.
Coding change: c.501T>A on transcript NM_004655.4 (MANE Select); coding-DNA position 501, T replaced by A.
Protein change: p.Asp167Glu; replaces aspartic acid 167 with glutamic acid.
Molecular consequence: missense variant.
Genome position (GRCh38, 1-based): chr17:65,558,120, A>T on the plus strand (T>A on the coding strand, the complement: AXIN2 is on the minus strand). VCF-style: chr17-65558120-A-T. GRCh37 (hg19) VCF-style: chr17-63554238-A-T.
Other names: c.501T>A, p.Asp167Glu (NM_001363813.1); short protein forms D167E.
Identifiers: ClinVar variation 4812184 (VCV004812184.2).